The following is an entry in ClinVar:

NM_000051.4(ATM):c.496G>A (p.Glu166Lys)

Gene: ATM (ATM serine/threonine kinase; plus strand). Cytogenetic location: 11q22.3.
Variant type: single nucleotide variant.
Coding change: c.496G>A on transcript NM_000051.4 (MANE Select); coding-DNA position 496, G replaced by A.
Protein change: p.Glu166Lys; replaces glutamic acid 166 with lysine.
Molecular consequence: missense variant.
Genome position (GRCh38, 1-based): chr11:108,235,834, G>A. VCF-style: chr11-108235834-G-A. GRCh37 (hg19) VCF-style: chr11-108106561-G-A.
Other names: c.496G>A, p.Glu166Lys (NM_001351834.2); short protein forms E166K.
Identifiers: ClinVar variation 825334 (VCV000825334.22), dbSNP rs1565357473, ClinGen allele CA382525784.

ClinVar aggregate classification (germline): Uncertain significance. Review status: criteria provided, multiple submitters, no conflicts (2 of 4 stars). 4 submissions from 4 submitters: Uncertain significance (3). 1 of the submissions does not count toward it. Last evaluated 2025-07-29.

Conditions:
Hereditary cancer-predisposing syndrome. Also called: Neoplastic Syndromes, Hereditary; Hereditary Cancer Syndrome; Hereditary neoplastic syndrome; Tumor predisposition. Identifiers: Orphanet 140162, MedGen C0027672, MeSH D009386, MONDO:0015356.
Ataxia-telangiectasia syndrome (AT). Also called: ATAXIA-TELANGIECTASIA, COMPLEMENTATION GROUP A; ATAXIA-TELANGIECTASIA, FRESNO VARIANT; Ataxia-telangiectasia, complementation group E; Ataxia telangiectasia (A-T); LOUIS-BAR SYNDROME; Cerebello-oculocutaneous telangiectasia. Identifiers: Orphanet 100, MedGen C0004135, MONDO:0008840, OMIM 208900.

Submissions (4):

Labcorp Genetics (formerly Invitae), Labcorp
Classification: Uncertain significance for Ataxia-telangiectasia syndrome. Last evaluated: 2025-07-29. Review status: criteria provided, single submitter. Criteria: Invitae Variant Classification Sherloc (09022015). Collection method: clinical testing. Allele origin: germline.
Comment: This sequence change replaces glutamic acid, which is acidic and polar, with lysine, which is basic and polar, at codon 166 of the ATM protein (p.Glu166Lys). This variant also falls at the last nucleotide of exon 5, which is part of the consensus splice site for this exon. This variant is not present in population databases (gnomAD no frequency). This variant has not been reported in the literature in individuals affected with ATM-related conditions. ClinVar contains an entry for this variant (Variation ID: 825334). An algorithm developed to predict the effect of missense changes on protein structure and function (PolyPhen-2) suggests that this variant is likely to be tolerated. Variants that disrupt the consensus splice site are a relatively common cause of aberrant splicing (PMID: 17576681, 9536098). Studies have shown that this missense change is associated with inconclusive levels of altered splicing (PMID: 35716007). In summary, the available evidence is currently insufficient to determine the role of this variant in disease. Therefore, it has been classified as a Variant of Uncertain Significance.

Ambry Genetics
Classification: Uncertain significance for Hereditary cancer-predisposing syndrome. Last evaluated: 2024-09-26. Review status: criteria provided, single submitter. Criteria: Ambry Variant Classification Scheme 2023. Collection method: clinical testing. Allele origin: germline.
Comment: The p.E166K variant (also known as c.496G>A), located in coding exon 4 of the ATM gene, results from a G to A substitution at nucleotide position 496. The amino acid change results in glutamic acid to lysine at codon 166, an amino acid with similar properties. However, this change occurs in the last base pair of coding exon 4, which makes it likely to have some effect on normal mRNA splicing. This nucleotide position is well conserved in available vertebrate species. In silico splice site analysis predicts that this alteration will weaken the native splice donor site. RNA studies have demonstrated that this alteration results in an incomplete splice defect; the clinical impact of this abnormal splicing is unknown at this time (Ambry internal data). This amino acid position is well conserved in available vertebrate species. In addition, this alteration is predicted to be tolerated by in silico analysis. Since supporting evidence is limited at this time, the clinical significance of this alteration remains unclear.

Color Diagnostics, LLC DBA Color Health
Classification: Uncertain significance for Hereditary cancer-predisposing syndrome. Last evaluated: 2024-07-09. Review status: criteria provided, single submitter. Criteria: ACMG Guidelines, 2015. Collection method: clinical testing. Allele origin: germline.
Comment: This variant causes a G to A nucleotide substitution at the last nucleotide of exon 5 of the ATM gene and replaces glutamic acid with lysine at codon 166 of the ATM protein. Computational prediction suggests that this variant may not impact protein structure and function. Splice site prediction tools suggest that this variant may impact RNA splicing, although a minigene splicing study has reported only a minor impact on splicing (PMID: 35716007). In a large international case-control study, this variant was reported in 2/60464 breast cancer cases and 0/53461 controls (OR=3.537, 95%CI 0.159 to 78.433, p-value=0.502; PMID: 33471991). This variant has not been identified in the general population by the Genome Aggregation Database (gnomAD). The available evidence is insufficient to determine the role of this variant in disease conclusively. Therefore, this variant is classified as a Variant of Uncertain Significance.

Natera, Inc.
Classification: Uncertain significance for Ataxia-telangiectasia. Last evaluated: 2021-10-19. Review status: no assertion criteria provided. Collection method: clinical testing. Allele origin: germline. Not counted in ClinVar's aggregate classification.

Literature cited by the submitters: PubMed 17576681 (cited by Labcorp Genetics (formerly Invitae), Labcorp); PubMed 9536098 (cited by Labcorp Genetics (formerly Invitae), Labcorp); PubMed 35716007 (cited by Labcorp Genetics (formerly Invitae), Labcorp and Color Diagnostics, LLC DBA Color Health).